The following is an entry in ClinVar:

ClinVar aggregate classification (germline): Uncertain significance (1 of 4 stars; one submission).

Allele frequency attached by ClinVar (database versions not stated): gnomAD exomes below 0.00001; gnomAD 0.00001; TOPMed 0.00002.
gnomAD v4.1: 2 of 1,613,000 alleles (0.00012%); highest among the groups gnomAD compares: Admixed American, 0.0017%; no homozygotes.

Submission:

Labcorp Genetics (formerly Invitae), Labcorp
Classification: Uncertain significance. Last evaluated: 2021-12-30. Review status: criteria provided, single submitter. Criteria: Invitae Variant Classification Sherloc (09022015). Collection method: clinical testing. Allele origin: germline.
Comment: This sequence change replaces methionine, which is neutral and non-polar, with isoleucine, which is neutral and non-polar, at codon 276 of the ERCC3 protein (p.Met276Ile). This variant is not present in population databases (gnomAD no frequency). This variant has not been reported in the literature in individuals affected with ERCC3-related conditions. Algorithms developed to predict the effect of missense changes on protein structure and function (SIFT, PolyPhen-2, Align-GVGD) all suggest that this variant is likely to be tolerated. In summary, the available evidence is currently insufficient to determine the role of this variant in disease. Therefore, it has been classified as a Variant of Uncertain Significance.

NM_000122.2(ERCC3):c.828G>T (p.Met276Ile)

Gene: ERCC3 (ERCC excision repair 3, TFIIH core complex helicase subunit; minus strand). Cytogenetic location: 2q14.3.
Variant type: single nucleotide variant.
Coding change: c.828G>T on transcript NM_000122.2 (MANE Select); coding-DNA position 828, G replaced by T.
Protein change: p.Met276Ile; replaces methionine 276 with isoleucine.
Molecular consequence: missense variant.
Genome position (GRCh38, 1-based): chr2:127,288,859, C>A on the plus strand (G>T on the coding strand, the complement: ERCC3 is on the minus strand). VCF-style: chr2-127288859-C-A. GRCh37 (hg19) VCF-style: chr2-128046435-C-A.
Other names: c.636G>T, p.Met212Ile (NM_001303416.2, NM_001303418.2); short protein forms M276I, M212I.
Identifiers: ClinVar variation 1954123 (VCV001954123.5), dbSNP rs930132955, ClinGen allele CA55339317.
Genomic context (GRCh38, chr2:127,288,859, plus strand): 5'-GTCATATTCTGCCAACAGAGGGTACTCCAGGTGGATGCAACGTTTCTGGAGTTCCTCAAT[C>A]ATTTCCTGGAAAGAGGGCACAAAAGGGGTTTTAAAATCTTGTTACTGTGCTCAAAAACAT-3'
Protein context (NP_000113.1, residues 266-286): QTVSFEVKQE[Met276Ile]IEELQKRCIH